The following is an entry in ClinVar:

ClinVar aggregate classification (germline): Uncertain significance (1 of 4 stars; one submission).

Allele frequency attached by ClinVar (database versions not stated): TOPMed 0.00001; gnomAD 0.00002; gnomAD exomes 0.00001.
gnomAD v4.1: 23 of 1,613,732 alleles (0.0014%); highest among the groups gnomAD compares: Admixed American, 0.0033%; no homozygotes.

Submission:

Labcorp Genetics (formerly Invitae), Labcorp
Classification: Uncertain significance. Last evaluated: 2025-08-23. Review status: criteria provided, single submitter. Criteria: Invitae Variant Classification Sherloc (09022015). Collection method: clinical testing. Allele origin: germline.
Comment: This sequence change replaces alanine, which is neutral and non-polar, with valine, which is neutral and non-polar, at codon 1142 of the SETD5 protein (p.Ala1142Val). This variant is not present in population databases (gnomAD no frequency). This variant has not been reported in the literature in individuals affected with SETD5-related conditions. ClinVar contains an entry for this variant (Variation ID: 2889412). Invitae Evidence Modeling of protein sequence and biophysical properties (such as structural, functional, and spatial information, amino acid conservation, physicochemical variation, residue mobility, and thermodynamic stability) indicates that this missense variant is not expected to disrupt SETD5 protein function with a negative predictive value of 80%. In summary, the available evidence is currently insufficient to determine the role of this variant in disease. Therefore, it has been classified as a Variant of Uncertain Significance.

NM_001080517.3(SETD5):c.3425C>T (p.Ala1142Val)

Gene: SETD5 (SET domain containing 5; plus strand). Cytogenetic location: 3p25.3.
Variant type: single nucleotide variant.
Coding change: c.3425C>T on transcript NM_001080517.3 (MANE Select); coding-DNA position 3425, C replaced by T.
Protein change: p.Ala1142Val; replaces alanine 1142 with valine.
Molecular consequence: missense variant.
Genome position (GRCh38, 1-based): chr3:9,473,465, C>T. VCF-style: chr3-9473465-C-T. GRCh37 (hg19) VCF-style: chr3-9515149-C-T.
Other names: c.3131C>T, p.Ala1044Val (NM_001292043.2, NM_001349451.2); short protein forms A1044V, A1142V.
Identifiers: ClinVar variation 2889412 (VCV002889412.3), dbSNP rs760606339, ClinGen allele CA69951141.